The following is an entry in ClinVar:

ClinVar aggregate classification (germline): Benign (1 of 4 stars; one submission).

Allele frequency attached by ClinVar (database versions not stated): gnomAD 0.62598 and 0.62845; 1000 Genomes Project 0.67552; TOPMed 0.62863; 1000 Genomes Project 30x 0.66927.
gnomAD v4.1: 95,458 of 152,022 alleles (63%); highest among the groups gnomAD compares: East Asian, 79%; 30,243 homozygotes.

Submission:

GeneDx
Classification: Benign. Last evaluated: 2018-06-14. Review status: criteria provided, single submitter. Criteria: GeneDx Variant Classification (06012015). Collection method: clinical testing. Allele origin: germline. Affected: yes.
Comment: This variant is considered likely benign or benign based on one or more of the following criteria: it is a conservative change, it occurs at a poorly conserved position in the protein, it is predicted to be benign by multiple in silico algorithms, and/or has population frequency not consistent with disease.

NM_020297.4(ABCC9):c.285-321C>T

Gene: ABCC9 (ATP binding cassette subfamily C member 9; minus strand). Cytogenetic location: 12p12.1.
Variant type: single nucleotide variant.
Coding change: c.285-321C>T on transcript NM_020297.4 (MANE Select); 321 bases into the intron before coding-DNA position 285, C replaced by T.
Molecular consequence: intron variant.
Genome position (GRCh38, 1-based): chr12:21,926,384, G>A on the plus strand (C>T on the coding strand, the complement: ABCC9 is on the minus strand). VCF-style: chr12-21926384-G-A. GRCh37 (hg19) VCF-style: chr12-22079318-G-A.
Other names: c.-170-321C>T (NM_001377274.1); c.285-321C>T (NM_005691.4, NM_001377273.1).
Identifiers: ClinVar variation 681182 (VCV000681182.1), dbSNP rs870134, ClinGen allele CA233620502.
Genomic context (GRCh38, chr12:21,926,384, plus strand): 5'-ACTCCTATACTGTAGGGCAGAGCTGCTGAAATAATTTAAGAACTAAAGCAAGTGAAAACA[G>A]TTAACTCAATCTGAACTCCAATGTGTGTGAAAAGTGTGTTTGTTCCTTTGACAGCACTCC-3'